The following is an entry in ClinVar:

ClinVar aggregate classification (germline): Uncertain significance. Review status: criteria provided, multiple submitters, no conflicts (2 of 4 stars). 2 submissions from 2 submitters: Uncertain significance (2). Last evaluated 2025-09-05.

Conditions:
Inborn genetic diseases. Identifiers: MedGen C0950123, MeSH D030342.
Monocytopenia with susceptibility to infections. Also called: IMMUNODEFICIENCY 21; GATA2 DEFICIENCY; MONOCYTOPENIA AND MYCOBACTERIAL INFECTION SYNDROME; MONOCYTOPENIA WITH SUSCEPTIBILITY TO MYCOBACTERIAL, FUNGAL, AND PAPILLOMAVIRUS INFECTIONS AND MYELODYSPLASIA; COMBINED IMMUNODEFICIENCY WITH SUSCEPTIBILITY TO MYCOBACTERIAL, VIRAL, AND FUNGAL INFECTIONS; Dendritic cell, monocyte, B lymphocyte, and natural killer lymphocyte deficiency. Identifiers: Orphanet 228423, MedGen C3280030, MONDO:0013607, OMIM 614172.
Deafness-lymphedema-leukemia syndrome. Also called: Lymphedema, primary, with myelodysplasia; Emberger syndrome. Identifiers: Orphanet 3226, MedGen C3279664, MONDO:0013540, OMIM 614038.

Allele frequency attached by ClinVar (database versions not stated): gnomAD exomes below 0.00001; ExAC 0.00001.

Submissions (2):

Ambry Genetics
Classification: Uncertain significance for Inborn genetic diseases. Last evaluated: 2025-09-05. Review status: criteria provided, single submitter. Criteria: Ambry Variant Classification Scheme 2023. Collection method: clinical testing. Allele origin: germline.
Comment: The p.P175S variant (also known as c.523C>T), located in coding exon 2 of the GATA2 gene, results from a C to T substitution at nucleotide position 523. The proline at codon 175 is replaced by serine, an amino acid with similar properties. This amino acid position is highly conserved in available vertebrate species. In addition, this alteration is predicted to be deleterious by in silico analysis. Based on the available evidence, the clinical significance of this variant remains unclear.

Labcorp Genetics (formerly Invitae), Labcorp
Classification: Uncertain significance for Monocytopenia with susceptibility to infections; Deafness-lymphedema-leukemia syndrome. Last evaluated: 2024-05-06. Review status: criteria provided, single submitter. Criteria: Invitae Variant Classification Sherloc (09022015). Collection method: clinical testing. Allele origin: germline.
Comment: This sequence change replaces proline, which is neutral and non-polar, with serine, which is neutral and polar, at codon 175 of the GATA2 protein (p.Pro175Ser). This variant is present in population databases (rs779526840, gnomAD 0.0009%). This variant has not been reported in the literature in individuals affected with GATA2-related conditions. ClinVar contains an entry for this variant (Variation ID: 650935). Advanced modeling of protein sequence and biophysical properties (such as structural, functional, and spatial information, amino acid conservation, physicochemical variation, residue mobility, and thermodynamic stability) has been performed at Invitae for this missense variant, however the output from this modeling did not meet the statistical confidence thresholds required to predict the impact of this variant on GATA2 protein function. In summary, the available evidence is currently insufficient to determine the role of this variant in disease. Therefore, it has been classified as a Variant of Uncertain Significance.

NM_032638.5(GATA2):c.523C>T (p.Pro175Ser)

Gene: GATA2 (GATA binding protein 2; minus strand). Cytogenetic location: 3q21.3.
Variant type: single nucleotide variant.
Coding change: c.523C>T on transcript NM_032638.5 (MANE Select); coding-DNA position 523, C replaced by T.
Protein change: p.Pro175Ser; replaces proline 175 with serine.
Molecular consequence: missense variant.
Genome position (GRCh38, 1-based): chr3:128,486,075, G>A on the plus strand (C>T on the coding strand, the complement: GATA2 is on the minus strand). VCF-style: chr3-128486075-G-A. GRCh37 (hg19) VCF-style: chr3-128204918-G-A.
Other names: c.523C>T, p.Pro175Ser (NM_001145661.2, NM_001145662.1); short protein forms P175S.
Identifiers: ClinVar variation 650935 (VCV000650935.9), dbSNP rs779526840, ClinGen allele CA2600012.